The following is an entry in ClinVar:

NM_022436.3(ABCG5):c.43C>A (p.Leu15Ile)

Gene: ABCG5 (ATP binding cassette subfamily G member 5; minus strand). Cytogenetic location: 2p21.
Variant type: single nucleotide variant.
Coding change: c.43C>A on transcript NM_022436.3 (MANE Select); coding-DNA position 43, C replaced by A.
Protein change: p.Leu15Ile; replaces leucine 15 with isoleucine.
Molecular consequence: missense variant.
Genome position (GRCh38, 1-based): chr2:43,838,637, G>T on the plus strand (C>A on the coding strand, the complement: ABCG5 is on the minus strand). VCF-style: chr2-43838637-G-T. GRCh37 (hg19) VCF-style: chr2-44065776-G-T.
Other names: short protein forms L15I.
Identifiers: ClinVar variation 1896871 (VCV001896871.2), dbSNP rs372312214, ClinGen allele CA46426251.
Genomic context (GRCh38, chr2:43,838,637, plus strand): 5'-GCTCCGGGGCGGTGGCAGGAGCCCCCTCCAGGGAGCTCTGGGAGCCTCTGTTTACTTGGA[G>T]ACCCATGGACCCTCCGGGGGTCAAAGATGAGAGGTCACCCATGGCCAACAGGCAGCAAAG-3'
Protein context (NP_071881.1, residues 5-25): SSLTPGGSMG[Leu15Ile]QVNRGSQSSL

ClinVar aggregate classification (germline): Uncertain significance (1 of 4 stars; one submission).

Conditions:
Sitosterolemia (STSL). Also called: PHYTOSTEROLEMIA. Identifiers: Orphanet 2882, MedGen C0342907, MONDO:0008863.

Submission:

Labcorp Genetics (formerly Invitae), Labcorp
Classification: Uncertain significance for Sitosterolemia. Last evaluated: 2022-08-22. Review status: criteria provided, single submitter. Criteria: Invitae Variant Classification Sherloc (09022015). Collection method: clinical testing. Allele origin: germline.
Comment: This sequence change replaces leucine, which is neutral and non-polar, with isoleucine, which is neutral and non-polar, at codon 15 of the ABCG5 protein (p.Leu15Ile). The frequency data for this variant in the population databases is considered unreliable, as metrics indicate poor data quality at this position in the gnomAD database. This variant has not been reported in the literature in individuals affected with ABCG5-related conditions. Algorithms developed to predict the effect of missense changes on protein structure and function output the following: SIFT: "Tolerated"; PolyPhen-2: "Benign"; Align-GVGD: "Class C0". The isoleucine amino acid residue is found in multiple mammalian species, which suggests that this missense change does not adversely affect protein function. In summary, the available evidence is currently insufficient to determine the role of this variant in disease. Therefore, it has been classified as a Variant of Uncertain Significance.